The following is an entry in ClinVar:

ClinVar aggregate classification (germline): Uncertain significance. Review status: criteria provided, multiple submitters, no conflicts (2 of 4 stars). 2 submissions from 2 submitters: Uncertain significance (2). Last evaluated 2024-12-24.

Conditions:
DPYD-related disorder. Also called: DPYD-related condition.

gnomAD v4.1: 91 of 1,613,772 alleles (0.0056%); highest among the groups gnomAD compares: African/African-American, 0.11%; 1 homozygote.

Submissions (2):

Women's Health and Genetics/Laboratory Corporation of America, LabCorp
Classification: Uncertain significance. Last evaluated: 2024-12-24. Review status: criteria provided, single submitter. Criteria: LabCorp Variant Classification Summary - May 2015. Collection method: clinical testing. Allele origin: germline.
Comment: Variant summary: DPYD c.2978T>G (p.Leu993Arg) results in a non-conservative amino acid change in the encoded protein sequence. Three of five in-silico tools predict a damaging effect of the variant on protein function. The variant allele was found at a frequency of 8e-05 in 251372 control chromosomes. This frequency is not significantly higher than estimated for a pathogenic variant in DPYD causing Dihydropyrimidine Dehydrogenase Deficiency (8e-05 vs 0.0025), allowing no conclusion about variant significance. To our knowledge, no occurrence of c.2978T>G in individuals affected with Dihydropyrimidine Dehydrogenase Deficiency and no experimental evidence demonstrating its impact on protein function have been reported. No submitters have cited clinical-significance assessments for this variant to ClinVar. Based on the evidence outlined above, the variant was classified as uncertain significance.

PreventionGenetics, part of Exact Sciences
Classification: Uncertain significance for DPYD-related condition. Last evaluated: 2024-10-20. Review status: criteria provided, single submitter. Criteria: ACMG Guidelines, 2015. Collection method: clinical testing. Allele origin: germline.
Comment: The DPYD c.2978T>G variant is predicted to result in the amino acid substitution p.Leu993Arg. To our knowledge, this variant has not been reported in the literature in patients with autosomal recessive dihydropyrimidine dehydrogenase deficiency (DPYDD). This variant is reported in 0.13% of alleles in individuals of African descent in gnomAD, which may be to common to be causative for autosomal recessive DPYDD. Although we suspect that this variant may be benign, at this time, the clinical significance of this variant is uncertain due to the absence of conclusive functional and genetic evidence.

NM_000110.4(DPYD):c.2978T>G (p.Leu993Arg)

Gene: DPYD (dihydropyrimidine dehydrogenase; minus strand). Cytogenetic location: 1p21.3.
Variant type: single nucleotide variant.
Coding change: c.2978T>G on transcript NM_000110.4 (MANE Select); coding-DNA position 2978, T replaced by G.
Protein change: p.Leu993Arg; replaces leucine 993 with arginine.
Molecular consequence: missense variant.
Genome position (GRCh38, 1-based): chr1:97,079,076, A>C on the plus strand (T>G on the coding strand, the complement: DPYD is on the minus strand). VCF-style: chr1-97079076-A-C. GRCh37 (hg19) VCF-style: chr1-97544632-A-C.
Other names: short protein forms L993R.
Identifiers: ClinVar variation 3768464 (VCV003768464.2).